The following is an entry in ClinVar:

NM_018896.5(CACNA1G):c.4325A>G (p.Gln1442Arg)

Gene: CACNA1G (calcium voltage-gated channel subunit alpha1 G; plus strand). Cytogenetic location: 17q21.33.
Variant type: single nucleotide variant.
Coding change: c.4325A>G on transcript NM_018896.5 (MANE Select); coding-DNA position 4325, A replaced by G.
Protein change: p.Gln1442Arg; replaces glutamine 1442 with arginine.
Molecular consequence: missense variant. On other transcripts: non-coding transcript variant (5).
Genome position (GRCh38, 1-based): chr17:50,605,926, A>G. VCF-style: chr17-50605926-A-G. GRCh37 (hg19) VCF-style: chr17-48683287-A-G.
Other names: c.4325A>G, p.Gln1442Arg (NM_001256324.2, NM_001256325.2, NM_001256326.2 and 16 more transcripts); c.4256A>G, p.Gln1419Arg (NM_001256332.2, NM_198376.3, NM_198379.3 and 5 more transcripts); short protein forms Q1419R, Q1442R.
Identifiers: ClinVar variation 1030679 (VCV001030679.1), dbSNP rs2047867072, ClinGen allele CA400256648.

ClinVar aggregate classification (germline): Uncertain significance (1 of 4 stars; one submission).

Conditions:
Spinocerebellar ataxia 42, early-onset, severe, with neurodevelopmental deficits. Identifiers: MedGen C4748120, MONDO:0060758, OMIM 618087.

gnomAD v4.1: 1 of 1,613,522 alleles (0.000062%); no homozygotes.

Submission:

Baylor Genetics
Classification: Uncertain significance for Spinocerebellar ataxia 42, early-onset, severe, with neurodevelopmental deficits. Last evaluated: 2020-08-12. Review status: criteria provided, single submitter. Criteria: ACMG Guidelines, 2015. Collection method: clinical testing. Allele origin: unknown. Affected: yes.
Comment: This variant was determined to be of uncertain significance according to ACMG Guidelines, 2015 [PMID:25741868].